The following is an entry in ClinVar:

ClinVar aggregate classification (germline): Uncertain significance (1 of 4 stars; one submission).

Submission:

Ambry Genetics
Classification: Uncertain significance. Last evaluated: 2022-08-30. Review status: criteria provided, single submitter. Criteria: Ambry Variant Classification Scheme 2023. Collection method: clinical testing. Allele origin: germline.
Comment: The p.K2717R variant (also known as c.8150A>G), located in coding exon 59 of the PRKDC gene, results from an A to G substitution at nucleotide position 8150. The lysine at codon 2717 is replaced by arginine, an amino acid with highly similar properties. This amino acid position is conserved. Since supporting evidence is limited at this time, the clinical significance of this alteration remains unclear.

NM_006904.7(PRKDC):c.8150A>G (p.Lys2717Arg)

Gene: PRKDC (protein kinase, DNA-activated, catalytic subunit; minus strand). Cytogenetic location: 8q11.21.
Variant type: single nucleotide variant.
Coding change: c.8150A>G on transcript NM_006904.7 (MANE Select); coding-DNA position 8150, A replaced by G.
Protein change: p.Lys2717Arg; replaces lysine 2717 with arginine.
Molecular consequence: missense variant.
Genome position (GRCh38, 1-based): chr8:47,834,198, T>C on the plus strand (A>G on the coding strand, the complement: PRKDC is on the minus strand). VCF-style: chr8-47834198-T-C. GRCh37 (hg19) VCF-style: chr8-48746759-T-C.
Other names: c.8150A>G, p.Lys2717Arg (NM_001081640.2); short protein forms K2717R.
Identifiers: ClinVar variation 1762195 (VCV001762195.2), dbSNP rs2551867044, ClinGen allele CA371148948.